The following is an entry in ClinVar:

NM_001080517.3(SETD5):c.329+143T>G

Gene: SETD5 (SET domain containing 5; plus strand). Cytogenetic location: 3p25.3.
Variant type: single nucleotide variant.
Coding change: c.329+143T>G on transcript NM_001080517.3 (MANE Select); 143 bases into the intron after coding-DNA position 329, T replaced by G.
Molecular consequence: intron variant. On other transcripts: 5 prime UTR variant (1).
Genome position (GRCh38, 1-based): chr3:9,434,628, T>G. VCF-style: chr3-9434628-T-G. GRCh37 (hg19) VCF-style: chr3-9476312-T-G.
Other names: c.-7T>G (NM_001349451.2); c.329+143T>G (NM_001437643.1, NM_001437701.1); c.-5+143T>G (NM_001292043.2); c.386+143T>G (NM_001437633.1, NM_001437635.1).
Identifiers: ClinVar variation 4864352 (VCV004864352.2).
Genomic context (GRCh38, chr3:9,434,628, plus strand): 5'-TTTCTTGTGTTTGTTAATGTAGATGATTCCTTAGTGCTCCTTGGCTCGAATTCTCTGCAC[T>G]AGGTGAGAATTGCTGACAACAAGGAATGAGAGATTGATGTTAAAGCTATTGAATTTGATA-3'

ClinVar aggregate classification (germline): Uncertain significance (1 of 4 stars; one submission).

Conditions:
Inborn genetic diseases. Identifiers: MedGen C0950123, MeSH D030342.

Submission:

Ambry Genetics
Classification: Uncertain significance for Inborn genetic diseases. Last evaluated: 2026-08-27. Review status: criteria provided, single submitter. Criteria: Ambry Variant Classification Scheme 2023. Collection method: clinical testing. Allele origin: germline.
Comment: The c.329+143T>G intronic alteration consists of a T to G substitution 143 nucleotides after exon 5 (coding exon 3) of the SETD5 gene. This variant was not reported in population-based cohorts in the Genome Aggregation Database (gnomAD). This nucleotide position is highly conserved in available vertebrate species. RNA studies have demonstrated that this variant results in an incomplete splice defect; the clinical impact of this abnormal splicing is unknown at this time (Ambry internal data). In silico splice site analysis predicts that this alteration may result in the creation or strengthening of a novel splice donor site. Based on insufficient or conflicting evidence, the clinical significance of this alteration remains unclear.